The following is an entry in ClinVar:

NM_002470.4(MYH3):c.5558A>G (p.Tyr1853Cys)

Gene: MYH3 (myosin heavy chain 3; minus strand). Cytogenetic location: 17p13.1.
Variant type: single nucleotide variant.
Coding change: c.5558A>G on transcript NM_002470.4 (MANE Select); coding-DNA position 5558, A replaced by G.
Protein change: p.Tyr1853Cys; replaces tyrosine 1853 with cysteine.
Molecular consequence: missense variant.
Genome position (GRCh38, 1-based): chr17:10,630,096, T>C on the plus strand (A>G on the coding strand, the complement: MYH3 is on the minus strand). VCF-style: chr17-10630096-T-C. GRCh37 (hg19) VCF-style: chr17-10533413-T-C.
Other names: short protein forms Y1853C.
Identifiers: ClinVar variation 3634442 (VCV003634442.2).

ClinVar aggregate classification (germline): Uncertain significance (1 of 4 stars; one submission).

Submission:

Labcorp Genetics (formerly Invitae), Labcorp
Classification: Uncertain significance. Last evaluated: 2024-12-16. Review status: criteria provided, single submitter. Criteria: Invitae Variant Classification Sherloc (09022015). Collection method: clinical testing. Allele origin: germline.
Comment: This sequence change replaces tyrosine, which is neutral and polar, with cysteine, which is neutral and slightly polar, at codon 1853 of the MYH3 protein (p.Tyr1853Cys). This variant is not present in population databases (gnomAD no frequency). This variant has not been reported in the literature in individuals affected with MYH3-related conditions. Invitae Evidence Modeling of protein sequence and biophysical properties (such as structural, functional, and spatial information, amino acid conservation, physicochemical variation, residue mobility, and thermodynamic stability) indicates that this missense variant is not expected to disrupt MYH3 protein function with a negative predictive value of 95%. In summary, the available evidence is currently insufficient to determine the role of this variant in disease. Therefore, it has been classified as a Variant of Uncertain Significance.